The following is an entry in ClinVar:

ClinVar aggregate classification (germline): Likely benign (1 of 4 stars; one submission).

Conditions:
Breast-ovarian cancer, familial, susceptibility to, 2 (BROVCA2). Also called: BRCA2 Hereditary Breast and Ovarian Cancer. Identifiers: Orphanet 145, MedGen C2675520, MONDO:0012933, OMIM 612555. Disease mechanism: loss of function.

gnomAD v4.1: 1 of 1,614,148 alleles (0.000062%); highest among the groups gnomAD compares: South Asian, 0.0011%; no homozygotes.

Submission:

Cancer Bioinformatics and Tumour Evolution Laboratory, Monash University
Classification: Likely benign for Breast-ovarian cancer, familial, susceptibility to, 2. Last evaluated: 2026-05-01. Review status: criteria provided, single submitter. Criteria: ClinGen BRCA1 and BRCA2 Guidelines, 2024. Collection method: curation. Allele origin: germline. Inheritance: Autosomal dominant inheritance.
Comment: Missense variant outside of a functional domain with no splice impact. BRCA1 and BRCA2 VCEP guidelines recommend application of BP1_Strong (PMID: 39142283)

NM_000059.4(BRCA2):c.9808G>A (p.Ala3270Thr)

Gene: BRCA2 (BRCA2 DNA repair associated; plus strand). Cytogenetic location: 13q13.1.
Variant type: single nucleotide variant.
Coding change: c.9808G>A on transcript NM_000059.4 (MANE Select); coding-DNA position 9808, G replaced by A.
Protein change: p.Ala3270Thr; replaces alanine 3270 with threonine.
Molecular consequence: missense variant. On other transcripts: non-coding transcript variant (1).
Genome position (GRCh38, 1-based): chr13:32,398,321, G>A. VCF-style: chr13-32398321-G-A. GRCh37 (hg19) VCF-style: chr13-32972458-G-A.
Other names: c.9712G>A, p.Ala3238Thr (NM_001406719.1); c.9757G>A, p.Ala3253Thr (NM_001406720.1); c.4876G>A, p.Ala1626Thr (NM_001406721.1); c.3391G>A, p.Ala1131Thr (NM_001406722.1); c.9808G>A, p.Ala3270Thr (NM_001432077.1); short protein forms A1131T, A1626T, A3238T, A3253T, A3270T.
Identifiers: ClinVar variation 4856466 (VCV004856466.1).
Genomic context (GRCh38, chr13:32,398,321, plus strand): 5'-TCAAAGTCTTGTAAAGGGGAGAAAGAGATTGATGACCAAAAGAACTGCAAAAAGAGAAGA[G>A]CCTTGGATTTCTTGAGTAGACTGCCTTTACCTCCACCTGTTAGTCCCATTTGTACATTTG-3'
Protein context (NP_000050.3, residues 3260-3280): DDQKNCKKRR[Ala3270Thr]LDFLSRLPLP